The following is an entry in ClinVar:

NM_004415.4(DSP):c.5324G>T (p.Arg1775Ile)

Gene: DSP (desmoplakin; plus strand). Cytogenetic location: 6p24.3.
Variant type: single nucleotide variant.
Coding change: c.5324G>T on transcript NM_004415.4 (MANE Select); coding-DNA position 5324, G replaced by T.
Protein change: p.Arg1775Ile; replaces arginine 1775 with isoleucine.
Molecular consequence: missense variant. On other transcripts: intron variant (2).
Genome position (GRCh38, 1-based): chr6:7,581,514, G>T. VCF-style: chr6-7581514-G-T. GRCh37 (hg19) VCF-style: chr6-7581747-G-T.
Other names: p.R1775I:AGA>ATA; NM_004415.2(DSP):c.5324G>T(p.Arg1775Ile); c.4051-1128G>T (NM_001319034.2); c.3583-1128G>T (NM_001008844.3); short protein forms R1775I.
Identifiers: ClinVar variation 161227 (VCV000161227.58), dbSNP rs34738426, ClinGen allele CA004575.

ClinVar aggregate classification (germline): Conflicting classifications of pathogenicity. Review status: criteria provided, conflicting classifications (1 of 4 stars). 16 submissions from 16 submitters: Uncertain significance (11); Likely benign (2). 3 of the submissions do not count toward it. Last evaluated 2026-03-04.

Conditions:
Cardiovascular phenotype. Identifiers: MedGen CN230736.
Lethal acantholytic epidermolysis bullosa (EBLA). Identifiers: Orphanet 158687, MedGen C1864826, MONDO:0012323, OMIM 609638.
Woolly hair-skin fragility syndrome (WHSF). Identifiers: Orphanet 293165, MedGen C1843292, MONDO:0957307, OMIM 620415.
Cardiomyopathy, dilated, with wooly hair, keratoderma, and tooth agenesis. Also called: Cardiomyopathy, dilated, with woolly hair, keratoderma, and tooth agenesis; Erythrokeratodermia-cardiomyopathy syndrome. Identifiers: Orphanet 476096, Orphanet 65282, MedGen C4014393, MONDO:0014355, OMIM 615821.
Arrhythmogenic right ventricular dysplasia 8 (ARVD8). Also called: Arrhythmogenic Right Ventricular Dysplasia/Cardiomyopathy 8; ARRHYTHMOGENIC RIGHT VENTRICULAR DYSPLASIA, FAMILIAL, 8; ARRHYTHMOGENIC RIGHT VENTRICULAR CARDIOMYOPATHY 8. Identifiers: MedGen C1843896, MONDO:0011831, OMIM 607450.
Keratosis palmoplantaris striata 2. Also called: KERATODERMA, PALMOPLANTAR, STRIATE FORM II; STRIATE PALMOPLANTAR KERATODERMA II; Keratosis palmoplantaris striata II. Identifiers: MedGen C1852127, MONDO:0013034, OMIM 612908.
Arrhythmogenic cardiomyopathy with wooly hair and keratoderma. Also called: PALMOPLANTAR KERATODERMA WITH LEFT VENTRICULAR CARDIOMYOPATHY AND WOOLLY HAIR; Carvajal syndrome; Dilated cardiomyopathy with woolly hair and keratoderma; Arrhythmogenic cardiomyopathy with woolly hair and keratoderma. Identifiers: Orphanet 65282, MedGen C1854063, MONDO:0011581, OMIM 605676.
Arrhythmogenic right ventricular cardiomyopathy (ARVD). Also called: Arrhythmogenic cardiomyopathy; Arrhythmogenic Right Ventricular Cardiomyopathy (ARVC); Cardiomyopathy, ARVC; Arrhythmogenic right ventricular dysplasia. Identifiers: Orphanet 247, MedGen C0349788, MeSH D019571, MONDO:0016587. Disease mechanism: loss of function. Inheritance: Various modes of inheritance.
Cardiomyopathy (CMYO). Also called: Cardiomyopathies. Identifiers: Orphanet 167848, MedGen C0878544, MONDO:0004994, HP:0001638. Inheritance: Various modes of inheritance.

Allele frequency attached by ClinVar (database versions not stated): TOPMed 0.00001; gnomAD 0.00002 and 0.00003; gnomAD exomes 0.00005 and 0.00007; ExAC 0.00008; ESP Exome Variant Server 0.00008; 1000 Genomes Project 0.00020.
gnomAD v4.1: 91 of 1,614,008 alleles (0.0056%); highest among the groups gnomAD compares: Middle Eastern, 0.28%; no homozygotes.

Submissions (16):

Ambry Genetics
Classification: Likely benign for Cardiovascular phenotype. Last evaluated: 2026-03-04. Review status: criteria provided, single submitter. Criteria: Ambry Variant Classification Scheme 2023. Collection method: clinical testing. Allele origin: germline.

Labcorp Genetics (formerly Invitae), Labcorp
Classification: Likely benign for Arrhythmogenic cardiomyopathy with wooly hair and keratoderma; Arrhythmogenic right ventricular dysplasia 8. Last evaluated: 2026-01-13. Review status: criteria provided, single submitter. Criteria: Invitae Variant Classification Sherloc (09022015). Collection method: clinical testing. Allele origin: germline.

Color Diagnostics, LLC DBA Color Health
Classification: Uncertain significance for Cardiomyopathy. Last evaluated: 2025-12-11. Review status: criteria provided, single submitter. Criteria: ACMG Guidelines, 2015. Collection method: clinical testing. Allele origin: germline.
Comment: This missense variant replaces arginine with isoleucine at codon 1775 of the DSP protein. Computational predictions are inconclusive regarding the impact of this variant on protein structure and function. To our knowledge, functional studies have not been reported for this variant. This variant has been reported in individuals affected with ventricular fibrillation and aborted sudden death (PMID: 15941723), arrhythmogenic right ventricular cardiomyopathy (PMID: 37418234), dilated cardiomyopathy (PMID: 38540378), and one individual suspected of having arrhythmogenic right ventricular cardiomyopathy (PMID 28472724). This variant has also been identified in several asymptomatic family members (PMID: 15941723, 38540378). This variant has been identified in 91/1614008 chromosomes in the general population by the Genome Aggregation Database (gnomAD). Although there is a suspicion that this variant may not be associated with disease, additional studies are necessary to determine the role of this variant in disease conclusively. Therefore, this variant is classified as a Variant of Uncertain Significance.

Blueprint Genetics
Classification: Uncertain significance. Last evaluated: 2024-11-26. Review status: criteria provided, single submitter. Criteria: ACMG Guidelines, 2015. Collection method: clinical testing. Allele origin: germline.

All of Us Research Program, National Institutes of Health
Classification: Uncertain significance for Arrhythmogenic cardiomyopathy with wooly hair and keratoderma. Last evaluated: 2024-05-09. Review status: criteria provided, single submitter. Criteria: ACMG Guidelines, 2015. Collection method: clinical testing. Allele origin: germline. Inheritance: Autosomal dominant inheritance. Observed: 18 variant alleles, 18 heterozygotes.
Comment: This missense variant replaces arginine with isoleucine at codon 1775 of the DSP protein. Computational prediction suggests that this variant may not impact protein structure and function (internally defined REVEL score threshold <= 0.5, PMID: 27666373). To our knowledge, functional studies have not been reported for this variant. This variant has been reported in four related individuals from a family (Family 151, PMID: 15941723). This variant has been identified in 18/282174 chromosomes in the general population by the Genome Aggregation Database (gnomAD). The available evidence is insufficient to determine the role of this variant in disease conclusively. Therefore, this variant is classified as a Variant of Uncertain Significance.

This study involves interpretation of variants in research participants for the purpose of population health screening. Participant phenotype was not available at the time of variant classification. Additional details can be found in publication PMID: 35346344, PMCID: PMC8962531

CeGaT Center for Human Genetics Tuebingen
Classification: Uncertain significance. Last evaluated: 2023-01-01. Review status: criteria provided, single submitter. Criteria: CeGaT Center For Human Genetics Tuebingen Variant Classification Criteria Version 2. Collection method: clinical testing. Allele origin: germline. Affected: yes. Observed: 1 variant allele.
Comment: DSP: PM2, BP4

Mayo Clinic Laboratories, Mayo Clinic
Classification: Uncertain significance. Last evaluated: 2021-09-08. Review status: criteria provided, single submitter. Criteria: ACMG Guidelines, 2015. Collection method: clinical testing. Allele origin: germline.

Fulgent Genetics
Classification: Uncertain significance for Arrhythmogenic cardiomyopathy with wooly hair and keratoderma; Arrhythmogenic right ventricular dysplasia 8; Lethal acantholytic epidermolysis bullosa; Keratosis palmoplantaris striata 2; Cardiomyopathy, dilated, with wooly hair, keratoderma, and tooth agenesis. Last evaluated: 2021-08-19. Review status: criteria provided, single submitter. Criteria: ACMG Guidelines, 2015. Collection method: clinical testing. Allele origin: unknown.

GeneDx
Classification: Uncertain significance. Last evaluated: 2021-07-15. Review status: criteria provided, single submitter. Criteria: GeneDx Variant Classification Process June 2021. Collection method: clinical testing. Allele origin: germline. Affected: yes.
Comment: Reported in ClinVar as a variant of uncertain significance (ClinVar Variant ID 161227; Landrum et al., 2016); In silico analysis, which includes protein predictors and evolutionary conservation, supports a deleterious effect; This variant is associated with the following publications: (PMID: 26582918, 27535533, 31402444, 25637381, 28472724, 21723241, 23861362, 15941723, 23299917)

Baylor Genetics
Classification: Uncertain significance for Arrhythmogenic cardiomyopathy with wooly hair and keratoderma. Last evaluated: 2019-10-25. Review status: criteria provided, single submitter. Criteria: ACMG Guidelines, 2015. Collection method: clinical testing. Allele origin: unknown. Affected: yes.
Comment: This variant was determined to be of uncertain significance according to ACMG Guidelines, 2015 [PMID:25741868].

SIB Swiss Institute of Bioinformatics
Classification: Uncertain significance for Arrhythmogenic right ventricular dysplasia 8. Last evaluated: 2018-05-31. Review status: criteria provided, single submitter. Criteria: ACMG Guidelines, 2015. Collection method: curation. Allele origin: unknown.
Comment: This variant is interpreted as a Uncertain Significance - Insufficient Evidence, for Arrhythmogenic right ventricular dysplasia 8, in Autosomal Dominant manner. The following ACMG Tag(s) were applied: BS1-Supporting => BS1 downgraded in strength to supporting.

Laboratory for Molecular Medicine, Mass General Brigham Personalized Medicine
Classification: Uncertain significance. Last evaluated: 2014-12-31. Review status: criteria provided, single submitter. Criteria: LMM Criteria. Collection method: clinical testing. Allele origin: germline. Observed: 1 variant allele.
Comment: The p.Arg1775Ile variant in DSP has been previously reported in 1 adult with sud den death and segregated with right ventricular and ECG abnormalities in 2 affec ted family members (Bauce 2005). This variant has also been identified in 8/1655 6 South Asian chromosomes by the Exome Aggregation Consortium (ExAC .; dbSNP rs34738426). The affected amino acid is not well cons erved in evolution, raising the possibility that a change may be tolerated; howe ver, this is not predictive enough to rule out pathogenicity. In summary, the cl inical significance of the p.Arg1775Ile variant is uncertain.

Biesecker Lab/Clinical Genomics Section, National Institutes of Health
Classification: Uncertain significance for Cardiomyopathy, arrhythmogenic right ventricular. Last evaluated: 2013-06-24. Review status: criteria provided, single submitter. Criteria: Ng et al. (Circ Cardiovasc Genet. 2013). Collection method: research. Allele origin: unknown. Observed: 1 variant allele. Study: ClinSeq.
Comment: The study set was not selected for affection status in relation to any cancer. Pathogenicity categories were based on literature curation. See Pubmed ID:23861362 for details.

Medical sequencing

CSER _CC_NCGL, University of Washington
Classification: Uncertain significance for Cardiomyopathy, arrhythmogenic right ventricular. Last evaluated: 2014-06-01. Review status: no assertion criteria provided. Collection method: research. Allele origin: germline. Inheritance: Autosomal dominant inheritance. Study: ESP 6500 variant annotation. Not counted in ClinVar's aggregate classification.
Comment: Variants classified for the Actionable exomic incidental findings in 6503 participants: challenges of variant classification manuscript

Diagnostic Laboratory, Department of Genetics, University Medical Center Groningen
Classification: Uncertain significance. Review status: no assertion criteria provided. Collection method: clinical testing. Allele origin: germline. Affected: yes. Study: VKGL Data-share Consensus. Not counted in ClinVar's aggregate classification.

Genome Diagnostics Laboratory, University Medical Center Utrecht
Classification: Uncertain significance. Review status: no assertion criteria provided. Collection method: clinical testing. Allele origin: germline. Affected: yes. Study: VKGL Data-share Consensus. Not counted in ClinVar's aggregate classification.

Literature cited by the submitters: PubMed 15941723 (cited by 4 submitters); PubMed 19178614 (cited by Ambry Genetics); PubMed 21723241 (cited by Ambry Genetics); PubMed 23299917 (cited by Ambry Genetics); PubMed 23861362 (cited by Ambry Genetics); PubMed 25637381 (cited by Ambry Genetics); PubMed 28472724 (cited by Ambry Genetics and Color Diagnostics, LLC DBA Color Health); PubMed 34426522 (cited by Ambry Genetics); PubMed 37418234 (cited by Color Diagnostics, LLC DBA Color Health); PubMed 38540378 (cited by Color Diagnostics, LLC DBA Color Health).